The following is an entry in ClinVar:

NM_001377.3(DYNC2H1):c.7437+1G>C

Gene: DYNC2H1 (dynein cytoplasmic 2 heavy chain 1; plus strand). Cytogenetic location: 11q22.3.
Variant type: single nucleotide variant.
Coding change: c.7437+1G>C on transcript NM_001377.3 (MANE Select); the canonical splice donor site of the intron after coding-DNA position 7437, G replaced by C.
Molecular consequence: splice donor variant.
Genome position (GRCh38, 1-based): chr11:103,189,817, G>C. VCF-style: chr11-103189817-G-C. GRCh37 (hg19) VCF-style: chr11-103060546-G-C.
Other names: c.7437+1G>C (NM_001080463.2).
Identifiers: ClinVar variation 4081640 (VCV004081640.1).
Genomic context (GRCh38, chr11:103,189,817, plus strand): 5'-TGGGGTTCTTCATCAAAAATTTATCTTTTAGCAGGATCTATGGTACAAGTGTATGAACAG[G>C]TAGATATGCATCTAAATTGTAGCTTTCATGTCTATTAGTATCATTTCTAAAGGTCTACTT-3'

ClinVar aggregate classification (germline): Likely pathogenic (1 of 4 stars; one submission).

Conditions:
Asphyxiating thoracic dystrophy 3. Also called: SHORT-RIB THORACIC DYSPLASIA 3 WITH OR WITHOUT POLYDACTYLY; SHORT-RIB THORACIC DYSPLASIA 3/6 WITH POLYDACTYLY, DIGENIC; POLYDACTYLY WITH NEONATAL CHONDRODYSTROPHY, TYPE I; Short rib polydactyly syndrome 2B; Saldino-Noonan Syndrome. Identifiers: Orphanet 474, Orphanet 93269, Orphanet 93270, Orphanet 93271, MedGen C0036069, MONDO:0013127, OMIM 613091.

Submission:

Myriad Genetics, Inc.
Classification: Likely pathogenic for Asphyxiating thoracic dystrophy 3. Last evaluated: 2025-04-04. Review status: criteria provided, single submitter. Criteria: Myriad Autosomal Dominant, Autosomal Recessive and X-Linked Classification Criteria (2023). Collection method: clinical testing. Allele origin: unknown.
Comment: NM_001377.2(DYNC2H1):c.7437+1G>C is a variant in a canonical splice site classified as likely pathogenic in the context of DYNC2H1-related disorders. c.7437+1G>C has not been observed in cases with relevant disease. Relevant functional assessments of this variant are not available in the literature. c.7437+1G>C has not been observed in referenced population frequency databases. In summary, NM_001377.2(DYNC2H1):c.7437+1G>C is a variant in a canonical splice site in a gene where loss of function is a known mechanism of disease and is predicted to disrupt protein function. Please note: this variant was assessed in the context of healthy population screening.